The following is an entry in ClinVar:

ClinVar aggregate classification (germline): Pathogenic (1 of 4 stars; one submission).

Submission:

Labcorp Genetics (formerly Invitae), Labcorp
Classification: Pathogenic. Last evaluated: 2023-08-30. Review status: criteria provided, single submitter. Criteria: Invitae Variant Classification Sherloc (09022015). Collection method: clinical testing. Allele origin: germline.
Comment: For these reasons, this variant has been classified as Pathogenic. Advanced modeling of protein sequence and biophysical properties (such as structural, functional, and spatial information, amino acid conservation, physicochemical variation, residue mobility, and thermodynamic stability) performed at Invitae indicates that this missense variant is expected to disrupt COL2A1 protein function. ClinVar contains an entry for this variant (Variation ID: 1458161). This missense change has been observed in individuals with clinical features of spondyloepiphyseal dysplasia (PMID: 16874841, 17347327; Invitae). This variant is not present in population databases (gnomAD no frequency). This sequence change replaces glycine, which is neutral and non-polar, with glutamic acid, which is acidic and polar, at codon 594 of the COL2A1 protein (p.Gly594Glu).

Literature cited by the submitters: PubMed 16874841; PubMed 17347327.

NM_001844.5(COL2A1):c.1781G>A (p.Gly594Glu)

Gene: COL2A1 (collagen type II alpha 1 chain; minus strand). Cytogenetic location: 12q13.11.
Variant type: single nucleotide variant.
Coding change: c.1781G>A on transcript NM_001844.5 (MANE Select); coding-DNA position 1781, G replaced by A.
Protein change: p.Gly594Glu; replaces glycine 594 with glutamic acid.
Molecular consequence: missense variant.
Genome position (GRCh38, 1-based): chr12:47,985,047, C>T on the plus strand (G>A on the coding strand, the complement: COL2A1 is on the minus strand). VCF-style: chr12-47985047-C-T. GRCh37 (hg19) VCF-style: chr12-48378830-C-T.
Other names: c.1574G>A, p.Gly525Glu (NM_033150.3); short protein forms G525E, G594E.
Identifiers: ClinVar variation 1458161 (VCV001458161.8), dbSNP rs2136564183, ClinGen allele CA384550647.